The following is an entry in ClinVar:

NM_024817.3(THSD4):c.1152+1G>T

Gene: THSD4 (thrombospondin type 1 domain containing 4; plus strand). Cytogenetic location: 15q23.
Variant type: single nucleotide variant.
Coding change: c.1152+1G>T on transcript NM_024817.3 (MANE Select); the canonical splice donor site of the intron after coding-DNA position 1152, G replaced by T.
Molecular consequence: splice donor variant.
Genome position (GRCh38, 1-based): chr15:71,411,824, G>T. VCF-style: chr15-71411824-G-T. GRCh37 (hg19) VCF-style: chr15-71704163-G-T.
Other names: c.1152+1G>T (NM_001394532.1).
Identifiers: ClinVar variation 4681623 (VCV004681623.5).

ClinVar aggregate classification (germline): Uncertain significance (1 of 4 stars; one submission).

Submission:

CeGaT Center for Human Genetics Tuebingen
Classification: Uncertain significance. Last evaluated: 2025-12-01. Review status: criteria provided, single submitter. Criteria: CeGaT Center For Human Genetics Tuebingen Variant Classification Criteria Version 2. Collection method: clinical testing. Allele origin: germline. Affected: yes. Observed: 1 variant allele.
Comment: THSD4: PM2